The following is an entry in ClinVar:

ClinVar aggregate classification (germline): Conflicting classifications of pathogenicity. Review status: criteria provided, conflicting classifications (1 of 4 stars). 4 submissions from 4 submitters: Uncertain significance (3); Likely benign (1). Last evaluated 2024-07-31.

Conditions:
Hereditary breast ovarian cancer syndrome. Also called: BRCA1- and BRCA2-Associated Hereditary Breast and Ovarian Cancer; Hereditary breast and ovarian cancer syndrome; Hereditary breast and ovarian cancer; Hereditary breast and ovarian cancer syndrome (HBOC); Breast and ovarian cancer; Hereditary breast and/or ovarian cancer syndrome. Identifiers: Orphanet 145, MedGen C0677776, MeSH D061325, MONDO:0003582. Disease mechanism: loss of function.
Hereditary cancer-predisposing syndrome. Also called: Neoplastic Syndromes, Hereditary; Tumor predisposition; Hereditary Cancer Syndrome; Hereditary neoplastic syndrome. Identifiers: Orphanet 140162, MedGen C0027672, MeSH D009386, MONDO:0015356.

Allele frequency attached by ClinVar (database versions not stated): gnomAD exomes below 0.00001.
gnomAD v4.1: 1 of 1,612,058 alleles (0.000062%); highest among the groups gnomAD compares: Non-Finnish European, 0.000085%; no homozygotes.

Submissions (4):

Ambry Genetics
Classification: Uncertain significance for Hereditary cancer-predisposing syndrome. Last evaluated: 2024-07-31. Review status: criteria provided, single submitter. Criteria: Ambry Variant Classification Scheme 2023. Collection method: clinical testing. Allele origin: germline.
Comment: The p.Q961L variant (also known as c.2882A>T), located in coding exon 10 of the BRCA2 gene, results from an A to T substitution at nucleotide position 2882. The glutamine at codon 961 is replaced by leucine, an amino acid with dissimilar properties. This amino acid position is well conserved in available vertebrate species. In addition, the in silico prediction for this alteration is inconclusive. Based on the available evidence, the clinical significance of this variant remains unclear.

Color Diagnostics, LLC DBA Color Health
Classification: Uncertain significance for Hereditary cancer-predisposing syndrome. Last evaluated: 2023-12-04. Review status: criteria provided, single submitter. Criteria: ACMG Guidelines, 2015. Collection method: clinical testing. Allele origin: germline.
Comment: This missense variant replaces glutamine with leucine at codon 961 of the BRCA2 protein. Computational prediction suggests that this variant may not impact protein structure and function (internally defined REVEL score threshold <= 0.5, PMID: 27666373). To our knowledge, functional studies have not been reported for this variant. This variant has not been reported in individuals affected with BRCA2-related disorders in the literature. This variant has not been identified in the general population by the Genome Aggregation Database (gnomAD). The available evidence is insufficient to determine the role of this variant in disease conclusively. Therefore, this variant is classified as a Variant of Uncertain Significance.

University of Washington Department of Laboratory Medicine, University of Washington
Classification: Likely benign for Hereditary cancer-predisposing syndrome. Last evaluated: 2023-03-23. Review status: criteria provided, single submitter. Criteria: Dines et al. (Genet Med. 2020). Collection method: curation. Allele origin: germline.
Comment: Missense variant in a coldspot region where missense variants are very unlikely to be pathogenic (PMID:31911673).

BRCA2 exon 11 coldspot. Reclassification based on statistical prior probability.

Labcorp Genetics (formerly Invitae), Labcorp
Classification: Uncertain significance for Hereditary breast ovarian cancer syndrome. Last evaluated: 2021-12-23. Review status: criteria provided, single submitter. Criteria: Invitae Variant Classification Sherloc (09022015). Collection method: clinical testing. Allele origin: germline.
Comment: This sequence change replaces glutamine, which is neutral and polar, with leucine, which is neutral and non-polar, at codon 961 of the BRCA2 protein (p.Gln961Leu). This variant is not present in population databases (gnomAD no frequency). This variant has not been reported in the literature in individuals affected with BRCA2-related conditions. ClinVar contains an entry for this variant (Variation ID: 919510). Advanced modeling of protein sequence and biophysical properties (such as structural, functional, and spatial information, amino acid conservation, physicochemical variation, residue mobility, and thermodynamic stability) performed at Invitae indicates that this missense variant is not expected to disrupt BRCA2 protein function. In summary, the available evidence is currently insufficient to determine the role of this variant in disease. Therefore, it has been classified as a Variant of Uncertain Significance.

NM_000059.4(BRCA2):c.2882A>T (p.Gln961Leu)

Gene: BRCA2 (BRCA2 DNA repair associated; plus strand). Cytogenetic location: 13q13.1.
Variant type: single nucleotide variant.
Coding change: c.2882A>T on transcript NM_000059.4 (MANE Select); coding-DNA position 2882, A replaced by T.
Protein change: p.Gln961Leu; replaces glutamine 961 with leucine.
Molecular consequence: missense variant.
Genome position (GRCh38, 1-based): chr13:32,337,237, A>T. VCF-style: chr13-32337237-A-T. GRCh37 (hg19) VCF-style: chr13-32911374-A-T.
Other names: short protein forms Q961L.
Identifiers: ClinVar variation 919510 (VCV000919510.11), dbSNP rs2072467086, ClinGen allele CA387774080.